The following is an entry in ClinVar:

NM_004937.3(CTNS):c.696dup (p.Val233fs)

Gene: CTNS (cystinosin, lysosomal cystine transporter; plus strand). Cytogenetic location: 17p13.2.
Variant type: Duplication.
Coding change: c.696dup on transcript NM_004937.3 (MANE Select); coding-DNA position 696, one base duplicated (C; older notation c.696dupC).
Protein change: p.Val233fs; shifts the reading frame from valine 233.
Molecular consequence: frameshift variant.
Genome position (GRCh38, 1-based): chr17:3,658,019, C duplicated. VCF-style (leftmost placement, unchanged base first): chr17-3658018-G-GC. GRCh37 (hg19) VCF-style: chr17-3561312-G-GC.
Other names: c.696dup, p.Val233fs (NM_001031681.3, NM_001374492.1); c.255dup, p.Val86fs (NM_001374493.1, NM_001374494.1, NM_001374495.1 and 1 more transcripts); c.696dupC (NM_001031681.2); short protein forms V233fs, V86fs.
Identifiers: ClinVar variation 21441 (VCV000021441.17), dbSNP rs113994209, ClinGen allele CA342079.

ClinVar aggregate classification (germline): Pathogenic. Review status: criteria provided, multiple submitters, no conflicts (2 of 4 stars). 6 submissions from 6 submitters: Pathogenic (4). 2 of the submissions do not count toward it. Last evaluated 2025-09-23.

Conditions:
CTNS-related disorder. Also called: CTNS-related condition.
Inborn genetic diseases. Identifiers: MedGen C0950123, MeSH D030342.
Ocular cystinosis. Also called: Non-Nephropathic (Ocular) Cystinosis; Non-Nephropathic Cystinosis. Identifiers: Orphanet 213, Orphanet 411641, MedGen C2931013, MONDO:0009064, OMIM 219750.
Juvenile nephropathic cystinosis. Also called: Later-Onset (Juvenile) Cystinosis; Intermediate Cystinosis; CYSTINOSIS, LATE-ONSET JUVENILE OR ADOLESCENT NEPHROPATHIC TYPE. Identifiers: Orphanet 213, Orphanet 411634, MedGen C0268626, MONDO:0009066, OMIM 219900.
Cystinosis. Also called: Cystine diathesis; Cystine storage disease; Cystinoses. Identifiers: Orphanet 213, MedGen C4316899, MONDO:0016239.
Nephropathic cystinosis (CTNS). Also called: CYSTINOSIN, DEFECT OF; LYSOSOMAL CYSTINE TRANSPORT PROTEIN, DEFECT OF; Abderhalden Lignac Kaufmann disease; Abderhalden-Kaufmann-Lignac syndrome. Identifiers: Orphanet 213, Orphanet 411629, MedGen C2931187, MONDO:0100151, OMIM 219800.

Allele frequency attached by ClinVar (database versions not stated): gnomAD exomes below 0.00001 and 0.00001; gnomAD 0.00001; TOPMed 0.00001.

Submissions (6):

Natera, Inc.
Classification: Pathogenic for Cystinosis. Last evaluated: 2025-09-23. Review status: criteria provided, single submitter. Criteria: Natera Variant Classification Schema (03/2026). Collection method: clinical testing. Allele origin: germline.
Comment: The c.696dupC variant in CTNS is a frameshift variant predicted to shift the reading frame beginning at codon 233 and leads to a stop codon 63 codons downstream. This variant is expected to result in nonsense mediated decay, truncation, or a dysfunctional protein product. This variant is rare in the general population with a frequency below the threshold expected for the associated phenotype(s). This variant has been observed in one or more individuals affected with the associated recessive disease, as either homozygous or compound heterozygous with a second variant (PMID: 27734949). Given the available evidence, this variant is classified as Pathogenic.

Blueprint Genetics
Classification: Pathogenic for CTNS-related disorders. Last evaluated: 2024-08-28. Review status: criteria provided, single submitter. Criteria: ACMG Guidelines, 2015. Collection method: clinical testing. Allele origin: germline. Affected: yes. Observed: 5 variant alleles.

Labcorp Genetics (formerly Invitae), Labcorp
Classification: Pathogenic for Inborn genetic diseases; Ocular cystinosis; Juvenile nephropathic cystinosis. Last evaluated: 2024-03-14. Review status: criteria provided, single submitter. Criteria: Invitae Variant Classification Sherloc (09022015). Collection method: clinical testing. Allele origin: germline.
Comment: This sequence change creates a premature translational stop signal (p.Val233Argfs*63) in the CTNS gene. It is expected to result in an absent or disrupted protein product. Loss-of-function variants in CTNS are known to be pathogenic (PMID: 9537412, 27102039). This variant is present in population databases (rs113994209, gnomAD 0.0009%). This premature translational stop signal has been observed in individual(s) with clinical features of nephropathic cystinosis (PMID: 9792862, 27734949). ClinVar contains an entry for this variant (Variation ID: 21441). For these reasons, this variant has been classified as Pathogenic.

Baylor Genetics
Classification: Pathogenic for Nephropathic cystinosis. Last evaluated: 2023-10-27. Review status: criteria provided, single submitter. Criteria: ACMG Guidelines, 2015. Collection method: clinical testing. Allele origin: unknown.

PreventionGenetics, part of Exact Sciences
Classification: Pathogenic for CTNS-related condition. Last evaluated: 2024-09-28. Review status: no assertion criteria provided. Collection method: clinical testing. Allele origin: germline. Not counted in ClinVar's aggregate classification.
Comment: The CTNS c.696dupC variant is predicted to result in a frameshift and premature protein termination (p.Val233Argfs*63). This variant has been reported in the compound heterozygous and homozygous state in individuals with cystinosis and is also referred to as c.1035insC (Shotelersuk et al. 1998. PubMed ID: 9792862; Buntinx et al. 2016. PubMed ID: 27734949; Attard et al. 1999. PubMed ID: 10556299; Bengali et al. 2021. PubMed ID: 33661986). This variant is reported in 0.00088% of alleles in individuals of European (Non-Finnish) descent in gnomAD. Frameshift variants in CTNS are expected to be pathogenic. This variant is interpreted as pathogenic.

GeneReviews
No classification provided. Condition: Nephropathic cystinosis. Review status: no classification provided. Collection method: literature only. Allele origin: unknown. Not counted in ClinVar's aggregate classification.

Literature cited by the submitters: PubMed 27734949 (cited by Natera, Inc. and Labcorp Genetics (formerly Invitae), Labcorp); PubMed 9537412 (cited by Labcorp Genetics (formerly Invitae), Labcorp); PubMed 27102039 (cited by Labcorp Genetics (formerly Invitae), Labcorp); PubMed 9792862 (cited by Labcorp Genetics (formerly Invitae), Labcorp); PubMed 20301574 (cited by GeneReviews); NCBI Bookshelf NBK1400 (cited by GeneReviews).